The following is an entry in ClinVar:

NM_014669.5(NUP93):c.1733G>C (p.Arg578Pro)

Gene: NUP93 (nucleoporin 93; plus strand). Cytogenetic location: 16q13.
Variant type: single nucleotide variant.
Coding change: c.1733G>C on transcript NM_014669.5 (MANE Select); coding-DNA position 1733, G replaced by C.
Protein change: p.Arg578Pro; replaces arginine 578 with proline.
Molecular consequence: missense variant.
Genome position (GRCh38, 1-based): chr16:56,834,438, G>C. VCF-style: chr16-56834438-G-C. GRCh37 (hg19) VCF-style: chr16-56868350-G-C.
Other names: c.1364G>C, p.Arg455Pro (NM_001242795.2, NM_001242796.2); short protein forms R455P, R578P.
Identifiers: ClinVar variation 3062103 (VCV003062103.1), dbSNP rs201617246, ClinGen allele CA395991486.

ClinVar aggregate classification (germline): Likely pathogenic (1 of 4 stars; one submission).

Conditions:
Nephrotic syndrome, type 12 (NPHS12). Identifiers: Orphanet 656, MedGen C4225166, MONDO:0014817, OMIM 616892.

Submission:

Illumina Laboratory Services, Illumina
Classification: Likely pathogenic for Nephrotic syndrome, type 12. Last evaluated: 2017-04-28. Review status: criteria provided, single submitter. Criteria: ICSLVariantClassificationCriteria RUGD 01 April 2020. Collection method: clinical testing. Allele origin: unknown.
Comment: The NUP93 c.1733G>C p.(Arg578Pro) missense variant, to our knowledge, has not been reported in the peer-reviewed literature. This variant is reported in the Genome Aggregation Database in one allele at a frequency of 0.000029 in the African/African American population (version 4.0.0). The Arg578 residue is highly conserved through evolution. Multiple lines of computational evidence suggest the variant may impact the gene or gene product. Based on the available evidence, the c.1733G>C p.(Arg578Pro) variant is classified as likely pathogenic for nephrotic syndrome.